The following is an entry in ClinVar:

ClinVar aggregate classification (germline): Likely benign (0 of 4 stars; one submission).

Conditions:
NLRP2-related disorder. Also called: NLRP2-related condition.

Allele frequency attached by ClinVar (database versions not stated): ExAC 0.00013; gnomAD 0.00039; ESP Exome Variant Server 0.00054; TOPMed 0.00057; 1000 Genomes Project 0.00060; 1000 Genomes Project 30x 0.00078.
gnomAD v4.1: 146 of 1,614,202 alleles (0.009%); highest among the groups gnomAD compares: African/African-American, 0.16%; no homozygotes.

Submission:

PreventionGenetics, part of Exact Sciences
Classification: Likely benign for NLRP2-related condition. Last evaluated: 2021-08-06. Review status: no assertion criteria provided. Collection method: clinical testing. Allele origin: germline.
Comment: This variant is classified as likely benign based on ACMG/AMP sequence variant interpretation guidelines (Richards et al. 2015 PMID: 25741868, with internal and published modifications).

NM_017852.5(NLRP2):c.1680C>T (p.Leu560=)

Gene: NLRP2 (NLR family pyrin domain containing 2; plus strand). Cytogenetic location: 19q13.42.
Variant type: single nucleotide variant.
Coding change: c.1680C>T on transcript NM_017852.5 (MANE Select); coding-DNA position 1680, C replaced by T.
Protein change: p.Leu560=; no amino-acid change (leucine 560 retained).
Molecular consequence: synonymous variant. On other transcripts: non-coding transcript variant (1).
Genome position (GRCh38, 1-based): chr19:54,983,378, C>T. VCF-style: chr19-54983378-C-T. GRCh37 (hg19) VCF-style: chr19-55494746-C-T.
Other names: c.1680C>T, p.Leu560= (NM_001174081.3); c.1614C>T, p.Leu538= (NM_001174082.3); c.1611C>T, p.Leu537= (NM_001174083.2); c.1671C>T, p.Leu557= (NM_001348003.2).
Identifiers: ClinVar variation 3036530 (VCV003036530.2), dbSNP rs61735085, ClinGen allele CA310105329.